The following is an entry in ClinVar:

NM_001267550.2(TTN):c.52589A>G (p.Asn17530Ser)

Genes: TTN (titin; minus strand), TTN-AS1 (TTN antisense RNA 1; plus strand), LOC126806425 (BRD4-independent group 4 enhancer GRCh37_chr2:179471933-179473132; plus strand). Cytogenetic location: 2q31.2.
Variant type: single nucleotide variant.
Coding change: c.52589A>G on transcript NM_001267550.2 (MANE Select); coding-DNA position 52589, A replaced by G.
Protein change: p.Asn17530Ser; replaces asparagine 17530 with serine.
Molecular consequence: missense variant.
Genome position (GRCh38, 1-based): chr2:178,608,294, T>C on the plus strand (A>G on the coding strand, the complement: TTN is on the minus strand). VCF-style: chr2-178608294-T-C. GRCh37 (hg19) VCF-style: chr2-179473021-T-C.
Other names: c.44885A>G, p.Asn14962Ser (NM_133378.4); c.47666A>G, p.Asn15889Ser (NM_001256850.1); c.25394A>G, p.Asn8465Ser (NM_003319.4); c.25769A>G, p.Asn8590Ser (NM_133432.3); c.25970A>G, p.Asn8657Ser (NM_133437.4); short protein forms N14962S, N17530S, N8590S, N8657S, N8465S, N15889S.
Identifiers: ClinVar variation 229457 (VCV000229457.34), dbSNP rs762214300, ClinGen allele CA1993969.

ClinVar aggregate classification (germline): Uncertain significance. Review status: criteria provided, multiple submitters, no conflicts (2 of 4 stars). 5 submissions from 5 submitters: Uncertain significance (5). Last evaluated 2025-12-31.

Conditions:
TTN-related disorder. Also called: TTN-related condition; TTN-related disease; TTN-related disorders.
Cardiovascular phenotype. Identifiers: MedGen CN230736.
Autosomal recessive limb-girdle muscular dystrophy type 2J (LGMDR10). Also called: Limb-girdle muscular dystrophy, type 2J; MUSCULAR DYSTROPHY, LIMB-GIRDLE, AUTOSOMAL RECESSIVE 10. Identifiers: Orphanet 140922, MedGen C1837342, MONDO:0012127, OMIM 608807.
Dilated cardiomyopathy 1G (CMD1G). Identifiers: Orphanet 154, MedGen C1858763, MONDO:0011400, OMIM 604145.

Allele frequency attached by ClinVar (database versions not stated): TOPMed 0.00002; gnomAD 0.00003; gnomAD exomes 0.00005 and 0.00006; ExAC 0.00013.
gnomAD v4.1: 70 of 1,612,148 alleles (0.0043%); highest among the groups gnomAD compares: Admixed American, 0.005%; no homozygotes.

Submissions (5):

PreventionGenetics, part of Exact Sciences
Classification: Uncertain significance for TTN-related condition. Last evaluated: 2025-12-31. Review status: criteria provided, single submitter. Criteria: ACMG Guidelines, 2015. Collection method: clinical testing. Allele origin: germline.
Comment: The TTN c.52589A>G variant is predicted to result in the amino acid substitution p.Asn17530Ser. To our knowledge, this variant has not been reported in the literature. This variant is reported in 0.016% of alleles in individuals of European (Finnish) descent in gnomAD. At this time, the clinical significance of this variant is uncertain due to the absence of conclusive functional and genetic evidence.

CeGaT Center for Human Genetics Tuebingen
Classification: Uncertain significance. Last evaluated: 2025-04-01. Review status: criteria provided, single submitter. Criteria: CeGaT Center For Human Genetics Tuebingen Variant Classification Criteria Version 2. Collection method: clinical testing. Allele origin: germline. Affected: yes. Observed: 2 variant alleles.
Comment: TTN: PM2:Supporting, BP4

Ambry Genetics
Classification: Uncertain significance for Cardiovascular phenotype. Last evaluated: 2019-05-06. Review status: criteria provided, single submitter. Criteria: Ambry Variant Classification Scheme 2023. Collection method: clinical testing. Allele origin: germline.
Comment: The p.N8465S variant (also known as c.25394A>G), located in coding exon 102 of the TTN gene, results from an A to G substitution at nucleotide position 25394. The asparagine at codon 8465 is replaced by serine, an amino acid with highly similar properties. This amino acid position is poorly conserved in available vertebrate species. In addition, this alteration is predicted to be tolerated by in silico analysis. Since supporting evidence is limited at this time, the clinical significance of this alteration remains unclear.

Labcorp Genetics (formerly Invitae), Labcorp
Classification: Uncertain significance for Dilated cardiomyopathy 1G; Autosomal recessive limb-girdle muscular dystrophy type 2J. Last evaluated: 2017-08-18. Review status: criteria provided, single submitter. Criteria: Invitae Variant Classification Sherloc (09022015). Collection method: clinical testing. Allele origin: germline.

Laboratory for Molecular Medicine, Mass General Brigham Personalized Medicine
Classification: Uncertain significance. Last evaluated: 2015-06-11. Review status: criteria provided, single submitter. Criteria: LMM Criteria. Collection method: clinical testing. Allele origin: germline. Observed: 1 variant allele.
Comment: The p.Asn14962Ser variant in TTN has not been previously reported in individuals with cardiomyopathy, but has been identified in 11/62924 European chromosomes b y the Exome Aggregation Consortium (ExAC). Compu tational prediction tools and conservation analysis suggest that this variant ma y not impact the protein, though this information is not predictive enough to ru le out pathogenicity. In summary, the clinical significance of the p.Asn14962Ser variant is uncertain.